The following is an entry in ClinVar:

ClinVar aggregate classification (germline): Uncertain significance (1 of 4 stars; one submission).

Conditions:
MYO15A-related disorder. Also called: MYO15A-related condition.

Submission:

PreventionGenetics, part of Exact Sciences
Classification: Uncertain significance for MYO15A-related condition. Last evaluated: 2026-03-03. Review status: criteria provided, single submitter. Criteria: ACMG Guidelines, 2015. Collection method: clinical testing. Allele origin: germline.
Comment: The MYO15A c.8721T>G variant is predicted to result in the amino acid substitution p.Ser2907Arg. To our knowledge, this variant has not been reported in the literature or in a large population database (gnomAD), indicating this variant is rare. At this time, the clinical significance of this variant is uncertain due to the absence of conclusive functional and genetic evidence.

NM_016239.4(MYO15A):c.8721T>G (p.Ser2907Arg)

Gene: MYO15A (myosin XVA; plus strand). Cytogenetic location: 17p11.2.
Variant type: single nucleotide variant.
Coding change: c.8721T>G on transcript NM_016239.4 (MANE Select); coding-DNA position 8721, T replaced by G.
Protein change: p.Ser2907Arg; replaces serine 2907 with arginine.
Molecular consequence: missense variant.
Genome position (GRCh38, 1-based): chr17:18,157,163, T>G. VCF-style: chr17-18157163-T-G. GRCh37 (hg19) VCF-style: chr17-18060477-T-G.
Other names: short protein forms S2907R.
Identifiers: ClinVar variation 4978365 (VCV004978365.1).
Genomic context (GRCh38, chr17:18,157,163, plus strand): 5'-AGGCTGGCCAAGGGGGCCTCCCTGGCAGATGCTGACCCGAGCCTGGCCCATAGGCTACAG[T>G]GCTGGCTGCGTGGTTCGCAGGAAGGTGGTGTACCTGGAGGAGCTGCGACGTAGAGGCCCC-3'
Protein context (NP_057323.3, residues 2897-2917): QPLEPPRVGY[Ser2907Arg]AGCVVRRKVV